The following is an entry in ClinVar:

ClinVar aggregate classification (germline): Likely benign (0 of 4 stars; one submission).

Conditions:
SEMA3F-related disorder. Also called: SEMA3F-related condition.

gnomAD v4.1: 47 of 1,614,032 alleles (0.0029%); highest among the groups gnomAD compares: African/African-American, 0.019%; no homozygotes.

Submission:

PreventionGenetics, part of Exact Sciences
Classification: Likely benign for SEMA3F-related condition. Last evaluated: 2022-06-14. Review status: no assertion criteria provided. Collection method: clinical testing. Allele origin: germline.
Comment: This variant is classified as likely benign based on ACMG/AMP sequence variant interpretation guidelines (Richards et al. 2015 PMID: 25741868, with internal and published modifications).

NM_004186.5(SEMA3F):c.1047C>T (p.Asp349=)

Gene: SEMA3F (semaphorin 3F; plus strand). Cytogenetic location: 3p21.31.
Variant type: single nucleotide variant.
Coding change: c.1047C>T on transcript NM_004186.5 (MANE Select); coding-DNA position 1047, C replaced by T.
Protein change: p.Asp349=; no amino-acid change (aspartic acid 349 retained).
Molecular consequence: synonymous variant.
Genome position (GRCh38, 1-based): chr3:50,183,214, C>T. VCF-style: chr3-50183214-C-T. GRCh37 (hg19) VCF-style: chr3-50220647-C-T.
Other names: c.750C>T, p.Asp250= (NM_001318798.2); c.954C>T, p.Asp318= (NM_001318800.2).
Identifiers: ClinVar variation 3358378 (VCV003358378.1).